The following is an entry in ClinVar:

ClinVar aggregate classification (germline): Likely pathogenic (1 of 4 stars; one submission).

Conditions:
Biotinidase deficiency. Also called: BTD deficiency; Late-onset biotin-responsive multiple carboxylase deficiency; Biotin deficiency. Identifiers: Orphanet 79241, MedGen C0220754, MONDO:0009665, OMIM 253260.

Submission:

Natera, Inc.
Classification: Likely pathogenic for Biotinidase deficiency. Last evaluated: 2025-04-04. Review status: criteria provided, single submitter. Criteria: Natera Variant Classification Schema (03/2026). Collection method: clinical testing. Allele origin: germline.
Comment: The c.832C>G variant in BTD is a missense variant predicted to cause substitution of leucine to valine at amino acid 278. This variant is rare in the general population with a frequency below the threshold expected for the associated phenotype(s). This variant has been observed in one or more individuals affected with the associated recessive disease, as either homozygous or compound heterozygous with a second variant (PMID: 33134520, 17185019). A different variant at the same position has been determined to be Pathogenic or Likely Pathogenic. Computational prediction algorithms indicate this variant is likely to affect gene or protein function. Given the available evidence, this variant is classified as Likely Pathogenic.

Literature cited by the submitters: PubMed 33134520; PubMed 17185019.

NM_000060.4:c.832C>G

Variant type: single nucleotide variant.
Other names: c.832C>G (NM_000060.4).
Identifiers: ClinVar variation 4816053 (VCV004816053.1).